The following is an entry in ClinVar:

ClinVar aggregate classification (germline): Uncertain significance (1 of 4 stars; one submission).

Submission:

Labcorp Genetics (formerly Invitae), Labcorp
Classification: Uncertain significance. Last evaluated: 2022-07-06. Review status: criteria provided, single submitter. Criteria: Invitae Variant Classification Sherloc (09022015). Collection method: clinical testing. Allele origin: germline.
Comment: This variant results in a copy number gain of the genomic region encompassing exon(s) 1-7 of the PIGB gene. This region includes the initiator codon of the gene. This copy number gain extends beyond the assayed region for this gene and therefore may encompass additional genes. As the precise location of this event is unknown, it may be in tandem or it may be located elsewhere in the genome. This variant has not been reported in the literature in individuals affected with PIGB-related conditions. Experimental studies and prediction algorithms are not available or were not evaluated, and the functional significance of this variant is currently unknown. In summary, the available evidence is currently insufficient to determine the role of this variant in disease. Therefore, it has been classified as a Variant of Uncertain Significance.

NC_000015.9:g.(?_55611449)_(55631536_?)dup

Gene: PIGB (phosphatidylinositol glycan anchor biosynthesis class B; plus strand). Cytogenetic location: 15q21.3.
Variant type: Duplication.
Identifiers: ClinVar variation 2425234 (VCV002425234.2).